The following is an entry in ClinVar:

ClinVar aggregate classification (germline): Benign. Review status: criteria provided, single submitter (1 of 4 stars). 2 submissions from 2 submitters: Benign (1). 1 of the submissions does not count toward it. Last evaluated 2026-02-02.

Conditions:
PCLO-related disorder. Also called: PCLO-related condition.

Submissions (2):

Labcorp Genetics (formerly Invitae), Labcorp
Classification: Benign. Last evaluated: 2026-02-02. Review status: criteria provided, single submitter. Criteria: Invitae Variant Classification Sherloc (09022015). Collection method: clinical testing. Allele origin: germline.

PreventionGenetics, part of Exact Sciences
Classification: Benign for PCLO-related condition. Last evaluated: 2023-12-18. Review status: no assertion criteria provided. Collection method: clinical testing. Allele origin: germline. Not counted in ClinVar's aggregate classification.
Comment: This variant is classified as benign based on ACMG/AMP sequence variant interpretation guidelines (Richards et al. 2015 PMID: 25741868, with internal and published modifications).

NM_033026.6(PCLO):c.1426CCAGCAAAGCCCCCACCTCAACAGCCTGGC[1] (p.476PAKPPPQQPG[1])

Gene: PCLO (piccolo presynaptic cytomatrix protein; minus strand). Cytogenetic location: 7q21.11.
Variant type: Microsatellite.
Coding change: c.1426CCAGCAAAGCCCCCACCTCAACAGCCTGGC[1] on transcript NM_033026.6 (MANE Select); one copy of the 30-base unit CCAGCAAAGCCCCCACCTCAACAGCCTGGC starting at c.1426; the reference has two copies in a row; one copy, 30 bases deleted.
Protein change: p.476PAKPPPQQPG[1].
Molecular consequence: inframe deletion.
Genome position (GRCh38, 1-based): chr7:83,155,156-83,155,185, GCCAGGCTGTTGAGGTGGGGGCTTTGCTGG deleted on the plus strand (CCAGCAAAGCCCCCACCTCAACAGCCTGGC on the coding strand, the reverse complement: PCLO is on the minus strand); deleting any 30 consecutive bases within chr7:83,155,156-83,155,222 gives the same sequence; the position shown is the placement nearest the transcript's 3' end. VCF-style (leftmost placement, unchanged base first): chr7-83155155-AGCCAGGCTGTTGAGGTGGGGGCTTTGCTGG-A. GRCh37 (hg19) VCF-style: chr7-82784471-AGCCAGGCTGTTGAGGTGGGGGCTTTGCTGG-A.
Other names: c.1426CCAGCAAAGCCCCCACCTCAACAGCCTGGC[1], p.476PAKPPPQQPG[1] (NM_014510.3); c.1456_1485del30 (NM_033026.5).
Identifiers: ClinVar variation 775250 (VCV000775250.10), dbSNP rs750616592, ClinGen allele CA4321444.